The following is an entry in ClinVar:

NM_000350.3(ABCA4):c.1082C>A (p.Ser361Tyr)

Gene: ABCA4 (ATP binding cassette subfamily A member 4; minus strand). Cytogenetic location: 1p22.1.
Variant type: single nucleotide variant.
Coding change: c.1082C>A on transcript NM_000350.3 (MANE Select); coding-DNA position 1082, C replaced by A.
Protein change: p.Ser361Tyr; replaces serine 361 with tyrosine.
Molecular consequence: missense variant.
Genome position (GRCh38, 1-based): chr1:94,080,495, G>T on the plus strand (C>A on the coding strand, the complement: ABCA4 is on the minus strand). VCF-style: chr1-94080495-G-T. GRCh37 (hg19) VCF-style: chr1-94546051-G-T.
Other names: c.1082C>A, p.Ser361Tyr (NM_001425324.1); c.1082C>A (NM_000350.2); short protein forms S361Y.
Identifiers: ClinVar variation 546602 (VCV000546602.51), dbSNP rs748487419, ClinGen allele CA958652.
Genomic context (GRCh38, chr1:94,080,495, plus strand): 5'-CAACATGAGAGGCCAATTTATAAGCAGGACTCAGAAAACTTACTTGTTCTTCTGTCATAA[G>T]AATAGATAGGATCCTTCCTTGTGGAGTCAATCCCCAGAAAGGCCTTATAGTTATTGTCTT-3'
Protein context (NP_000341.2, residues 351-371): IDSTRKDPIY[Ser361Tyr]YDRRTTSFCN

ClinVar aggregate classification (germline): Conflicting classifications of pathogenicity. Review status: criteria provided, conflicting classifications (1 of 4 stars). 6 submissions from 6 submitters: Uncertain significance (4); Likely benign (1). 1 of the submissions does not count toward it. Last evaluated 2026-06-20.

Conditions:
ABCA4-related disorder. Also called: ABCA4-related disorders; ABCA4-related condition. Identifiers: MedGen CN239167.
Inborn genetic diseases. Identifiers: MedGen C0950123, MeSH D030342.
Retinal dystrophy. Also called: Inherited retinal dystrophy. Identifiers: Orphanet 71862, MedGen C0854723, MeSH D058499, MONDO:0019118, HP:0000556.

Allele frequency attached by ClinVar (database versions not stated): TOPMed below 0.00001; gnomAD 0.00001.
gnomAD v4.1: 36 of 1,614,190 alleles (0.0022%); highest among the groups gnomAD compares: South Asian, 0.0066%; 1 homozygote.

Submissions (6):

PreventionGenetics, part of Exact Sciences
Classification: Uncertain significance for ABCA4-related condition. Last evaluated: 2026-06-20. Review status: criteria provided, single submitter. Criteria: ACMG Guidelines, 2015. Collection method: clinical testing. Allele origin: germline.
Comment: The ABCA4 c.1082C>A variant is predicted to result in the amino acid substitution p.Ser361Tyr. To our knowledge, this variant has not been reported in the literature. This variant is reported in 0.0098% of alleles in individuals of South Asian descent in gnomAD. At this time, the clinical significance of this variant is uncertain due to the absence of conclusive functional and genetic evidence.

Ambry Genetics
Classification: Uncertain significance for Inborn genetic diseases. Last evaluated: 2025-01-30. Review status: criteria provided, single submitter. Criteria: Ambry Variant Classification Scheme 2023. Collection method: clinical testing. Allele origin: germline.

Labcorp Genetics (formerly Invitae), Labcorp
Classification: Likely benign. Last evaluated: 2024-02-13. Review status: criteria provided, single submitter. Criteria: Invitae Variant Classification Sherloc (09022015). Collection method: clinical testing. Allele origin: germline.

Blueprint Genetics
Classification: Uncertain significance. Last evaluated: 2024-02-12. Review status: criteria provided, single submitter. Criteria: ACMG Guidelines, 2015. Collection method: clinical testing. Allele origin: germline.

CeGaT Center for Human Genetics Tuebingen
Classification: Uncertain significance. Last evaluated: 2018-01-01. Review status: criteria provided, single submitter. Criteria: CeGaT Center For Human Genetics Tuebingen Variant Classification Criteria Version 2. Collection method: clinical testing. Allele origin: germline. Affected: yes. Observed: 1 variant allele.

Institute of Human Genetics, Univ. Regensburg, Univ. Regensburg
Classification: Uncertain significance for Retinal dystrophy. Last evaluated: 2019-01-01. Review status: no assertion criteria provided. Criteria: ACMG Guidelines, 2015. Collection method: clinical testing. Allele origin: germline. Affected: yes. Not counted in ClinVar's aggregate classification.